The following is an entry in ClinVar:

ClinVar aggregate classification (germline): Benign/Likely benign. Review status: criteria provided, multiple submitters, no conflicts (2 of 4 stars). 3 submissions from 3 submitters: Benign (1); Likely benign (2). Last evaluated 2024-03-01.

Conditions:
Hereditary cancer-predisposing syndrome. Also called: Tumor predisposition; Hereditary neoplastic syndrome; Neoplastic Syndromes, Hereditary; Hereditary Cancer Syndrome. Identifiers: Orphanet 140162, MedGen C0027672, MeSH D009386, MONDO:0015356.
Familial adenomatous polyposis 1 (FAP1). Also called: FAMILIAL ADENOMATOUS POLYPOSIS 1, ATTENUATED; POLYPOSIS, ADENOMATOUS INTESTINAL. Identifiers: MedGen C2713442, MONDO:0021056, OMIM 175100. Disease mechanism: loss of function.

gnomAD v4.1: 1 of 1,613,490 alleles (0.000062%); highest among the groups gnomAD compares: Non-Finnish European, 0.000085%; no homozygotes.

Submissions (3):

Myriad Genetics, Inc.
Classification: Benign for Familial adenomatous polyposis 1. Last evaluated: 2024-03-01. Review status: criteria provided, single submitter. Criteria: Myriad Autosomal Dominant, Autosomal Recessive and X-Linked Classification Criteria (2023). Collection method: clinical testing. Allele origin: unknown.
Comment: This variant is considered benign. This variant is a silent/synonymous amino acid change and it is not expected to impact splicing.

Labcorp Genetics (formerly Invitae), Labcorp
Classification: Likely benign for Familial adenomatous polyposis 1. Last evaluated: 2020-03-09. Review status: criteria provided, single submitter. Criteria: Invitae Variant Classification Sherloc (09022015). Collection method: clinical testing. Allele origin: germline.

Ambry Genetics
Classification: Likely benign for Hereditary cancer-predisposing syndrome. Last evaluated: 2018-03-20. Review status: criteria provided, single submitter. Criteria: Ambry Variant Classification Scheme 2023. Collection method: clinical testing. Allele origin: germline.

NM_000038.6(APC):c.1359A>T (p.Leu453=)

Gene: APC (APC regulator of Wnt signaling pathway; plus strand). Cytogenetic location: 5q22.2.
Variant type: single nucleotide variant.
Coding change: c.1359A>T on transcript NM_000038.6 (MANE Select); coding-DNA position 1359, A replaced by T.
Protein change: p.Leu453=; no amino-acid change (leucine 453 retained).
Molecular consequence: synonymous variant.
Genome position (GRCh38, 1-based): chr5:112,821,942, A>T. VCF-style: chr5-112821942-A-T. GRCh37 (hg19) VCF-style: chr5-112157639-A-T.
Other names: c.1359A>T, p.Leu453= (NM_001127510.3, NM_001354895.2, NM_001354896.2); c.1305A>T, p.Leu435= (NM_001127511.3); c.1389A>T, p.Leu463= (NM_001354897.2); c.1284A>T, p.Leu428= (NM_001354898.2); c.1275A>T, p.Leu425= (NM_001354899.2); c.1182A>T, p.Leu394= (NM_001354900.2, NM_001354901.2); c.1086A>T, p.Leu362= (NM_001354902.2); c.1056A>T, p.Leu352= (NM_001354903.2); and 3 more.
Identifiers: ClinVar variation 819000 (VCV000819000.14), dbSNP rs751945983, ClinGen allele CA445755863.
Genomic context (GRCh38, chr5:112,821,942, plus strand): 5'-ATTTTATTTTTCAGTGCCAGCTCCTGTTGAACATCAGATCTGTCCTGCTGTGTGTGTTCT[A>T]ATGAAACTTTCATTTGATGAAGAGCATAGACATGCAATGAATGAACTAGGTAAGACAAAA-3'
Protein context (NP_000029.2, residues 443-463): EHQICPAVCV[Leu453=]MKLSFDEEHR